The following is an entry in ClinVar:

NM_003072.5(SMARCA4):c.3951+4A>G

Gene: SMARCA4 (SWI/SNF related BAF chromatin remodeling complex subunit ATPase 4; plus strand). Cytogenetic location: 19p13.2.
Variant type: single nucleotide variant.
Coding change: c.3951+4A>G on transcript NM_003072.5 (MANE Select); 4 bases into the intron after coding-DNA position 3951, A replaced by G.
Molecular consequence: intron variant.
Genome position (GRCh38, 1-based): chr19:11,034,204, A>G. VCF-style: chr19-11034204-A-G. GRCh37 (hg19) VCF-style: chr19-11144880-A-G.
Other names: c.3951+4A>G (NM_001128844.3, NM_001128849.3); c.3852+4A>G (NM_001128847.4, NM_001374457.1, NM_001128845.2 and 2 more transcripts).
Identifiers: ClinVar variation 824417 (VCV000824417.10), dbSNP rs1600398069, ClinGen allele CA915951637.

ClinVar aggregate classification (germline): Conflicting classifications of pathogenicity. Review status: criteria provided, conflicting classifications (1 of 4 stars). 2 submissions from 2 submitters: Uncertain significance (1); Likely benign (1). Last evaluated 2025-12-24.

Conditions:
Rhabdoid tumor predisposition syndrome 2 (RTPS2). Identifiers: Orphanet 231108, Orphanet 69077, MedGen C2750074, MONDO:0013224, OMIM 613325.
Hereditary cancer-predisposing syndrome. Also called: Hereditary Cancer Syndrome; Tumor predisposition; Neoplastic Syndromes, Hereditary; Hereditary neoplastic syndrome. Identifiers: Orphanet 140162, MedGen C0027672, MeSH D009386, MONDO:0015356.

Submissions (2):

Ambry Genetics
Classification: Uncertain significance for Hereditary cancer-predisposing syndrome. Last evaluated: 2025-12-24. Review status: criteria provided, single submitter. Criteria: Ambry Variant Classification Scheme 2023. Collection method: clinical testing. Allele origin: germline.
Comment: The c.3951+4A>G intronic variant results from an A to G substitution 4 nucleotides after coding exon 27 in the SMARCA4 gene. This nucleotide position is highly conserved in available vertebrate species. In silico splice site analysis predicts that this alteration will not have any significant effect on splicing; however, direct evidence is insufficient at this time (Ambry internal data). Since supporting evidence is limited at this time, the clinical significance of this alteration remains unclear.

Labcorp Genetics (formerly Invitae), Labcorp
Classification: Likely benign for Rhabdoid tumor predisposition syndrome 2. Last evaluated: 2025-11-24. Review status: criteria provided, single submitter. Criteria: Invitae Variant Classification Sherloc (09022015). Collection method: clinical testing. Allele origin: germline.